The following is an entry in ClinVar:

ClinVar aggregate classification (germline): Likely pathogenic (1 of 4 stars; one submission).

Conditions:
Sotos syndrome (SOTOS). Also called: CHROMOSOME 5q35 DELETION SYNDROME; CEREBRAL GIGANTISM; Sotos' syndrome; Distinctive facial appearance, overgrowth in childhood, and learning disabilities or delayed development; SOTOS SYNDROME 1. Identifiers: Orphanet 821, MedGen C0175695, MONDO:0019349, OMIM 117550.

Submission:

3billion
Classification: Likely pathogenic for Sotos syndrome. Last evaluated: 2025-10-16. Review status: criteria provided, single submitter. Criteria: ACMG Guidelines, 2015. Collection method: clinical testing. Allele origin: germline. Affected: yes.
Comment: The variant is not observed in the gnomAD v4.1.0 dataset. Predicted Consequence/Location: Frameshift: predicted to result in a loss or disruption of normal protein function through nonsense-mediated decay (NMD) or protein truncation. Multiple pathogenic variants are reported downstream of the variant. Therefore, this variant is classified as Likely pathogenic according to the recommendation of ACMG/AMP guideline.

NM_022455.5(NSD1):c.2867del (p.Leu956fs)

Gene: NSD1 (nuclear receptor binding SET domain protein 1; plus strand). Cytogenetic location: 5q35.3.
Variant type: Deletion.
Coding change: c.2867del on transcript NM_022455.5 (MANE Select); coding-DNA position 2867, one base deleted (T; older notation c.2867delT).
Protein change: p.Leu956fs; shifts the reading frame from leucine 956.
Molecular consequence: frameshift variant.
Genome position (GRCh38, 1-based): chr5:177,211,266, T deleted; the last of 4 consecutive T bases (chr5:177,211,263-177,211,266); deleting any one gives the same sequence. VCF-style (leftmost placement, unchanged base first): chr5-177211262-GT-G. GRCh37 (hg19) VCF-style: chr5-176638263-GT-G.
Other names: c.1994del, p.Leu665fs (NM_001365684.2, NM_001409306.1, NM_001409307.1 and 3 more transcripts); c.2867del, p.Leu956fs (NM_001409301.1, NM_001409302.1, NM_001409303.1); c.2447del, p.Leu816fs (NM_001409304.1); c.2114del, p.Leu705fs (NM_001409305.1); short protein forms L665fs, L705fs, L816fs, L956fs.
Identifiers: ClinVar variation 4855011 (VCV004855011.1).